The following is an entry in ClinVar:

ClinVar aggregate classification (germline): Uncertain significance. Review status: criteria provided, multiple submitters, no conflicts (2 of 4 stars). 2 submissions from 2 submitters: Uncertain significance (2). Last evaluated 2025-07-18.

Conditions:
Heart defects, congenital, and other congenital anomalies. Also called: Pancreatic hypoplasia-diabetes-congenital heart disease syndrome; PANCREATIC HYPOPLASIA, CONGENITAL, WITH DIABETES MELLITUS AND CONGENITAL HEART DISEASE. Identifiers: Orphanet 2255, MedGen C2931296, MONDO:0010802, OMIM 600001.
Atrioventricular septal defect 5 (AVSD5). Identifiers: MedGen C3280939, MONDO:0013769, OMIM 614474.
Tetralogy of Fallot (TOF). Identifiers: Orphanet 3303, MedGen C0039685, MONDO:0008542, OMIM 187500, HP:0001636.
Conotruncal heart malformations (CTHM). Also called: Conotruncal heart malformations, variable. Identifiers: Orphanet 2445, Orphanet 3384, Orphanet 3426, MedGen C1857586, MONDO:0016581, OMIM 217095.
Atrial septal defect 9 (ASD9). Identifiers: Orphanet 1478, MedGen C3280943, MONDO:0013770, OMIM 614475.

gnomAD v4.1: 3 of 1,599,920 alleles (0.00019%); highest among the groups gnomAD compares: Non-Finnish European, 0.00025%; no homozygotes.

Submissions (2):

Labcorp Genetics (formerly Invitae), Labcorp
Classification: Uncertain significance for Atrioventricular septal defect 5. Last evaluated: 2025-07-18. Review status: criteria provided, single submitter. Criteria: Invitae Variant Classification Sherloc (09022015). Collection method: clinical testing. Allele origin: germline.
Comment: This sequence change replaces arginine, which is basic and polar, with cysteine, which is neutral and slightly polar, at codon 13 of the GATA6 protein (p.Arg13Cys). This variant is not present in population databases (gnomAD no frequency). This variant has not been reported in the literature in individuals affected with GATA6-related conditions. ClinVar contains an entry for this variant (Variation ID: 3583187). An algorithm developed to predict the effect of missense changes on protein structure and function (PolyPhen-2) suggests that this variant is likely to be tolerated. In summary, the available evidence is currently insufficient to determine the role of this variant in disease. Therefore, it has been classified as a Variant of Uncertain Significance.

Fulgent Genetics
Classification: Uncertain significance for Tetralogy of Fallot; Conotruncal heart malformations; Heart defects, congenital, and other congenital anomalies; Atrioventricular septal defect 5; Atrial septal defect 9. Last evaluated: 2024-05-20. Review status: criteria provided, single submitter. Criteria: ACMG Guidelines, 2015. Collection method: clinical testing. Allele origin: germline.

NM_005257.6(GATA6):c.37C>T (p.Arg13Cys)

Gene: GATA6 (GATA binding protein 6; plus strand). Cytogenetic location: 18q11.2.
Variant type: single nucleotide variant.
Coding change: c.37C>T on transcript NM_005257.6 (MANE Select); coding-DNA position 37, C replaced by T.
Protein change: p.Arg13Cys; replaces arginine 13 with cysteine.
Molecular consequence: missense variant.
Genome position (GRCh38, 1-based): chr18:22,171,181, C>T. VCF-style: chr18-22171181-C-T. GRCh37 (hg19) VCF-style: chr18-19751142-C-T.
Other names: short protein forms R13C.
Identifiers: ClinVar variation 3583187 (VCV003583187.2).